The following is an entry in ClinVar:

NM_017491.5(WDR1):c.995G>A (p.Gly332Asp)

Gene: WDR1 (WD repeat domain 1; minus strand). Cytogenetic location: 4p16.1.
Variant type: single nucleotide variant.
Coding change: c.995G>A on transcript NM_017491.5 (MANE Select); coding-DNA position 995, G replaced by A.
Protein change: p.Gly332Asp; replaces glycine 332 with aspartic acid.
Molecular consequence: missense variant.
Genome position (GRCh38, 1-based): chr4:10,084,487, C>T on the plus strand (G>A on the coding strand, the complement: WDR1 is on the minus strand). VCF-style: chr4-10084487-C-T. GRCh37 (hg19) VCF-style: chr4-10086111-C-T.
Other names: c.575G>A, p.Gly192Asp (NM_005112.5); short protein forms G192D, G332D.
Identifiers: ClinVar variation 2046480 (VCV002046480.4), dbSNP rs2547353588, ClinGen allele CA356360580.
Genomic context (GRCh38, chr4:10,084,487, plus strand): 5'-TTGAGTCAAAGGATATTAATGTGTCCGTCGTGGCTCCCAGAGTAAATGTAGGACTTGCCG[C>T]CGTTTTTATGCACCGTCAGACACTGGATCGATTTACTGTGACCCTGTGAAGGAGACACAC-3'
Protein context (NP_059830.1, residues 322-342): SIQCLTVHKN[Gly332Asp]GKSYIYSGSH

ClinVar aggregate classification (germline): Uncertain significance (1 of 4 stars; one submission).

Allele frequency attached by ClinVar (database versions not stated): gnomAD exomes below 0.00001.
gnomAD v4.1: 1 of 1,613,934 alleles (0.000062%); highest among the groups gnomAD compares: African/African-American, 0.0013%; no homozygotes.

Submission:

Labcorp Genetics (formerly Invitae), Labcorp
Classification: Uncertain significance. Last evaluated: 2021-12-18. Review status: criteria provided, single submitter. Criteria: Invitae Variant Classification Sherloc (09022015). Collection method: clinical testing. Allele origin: germline.
Comment: In summary, the available evidence is currently insufficient to determine the role of this variant in disease. Therefore, it has been classified as a Variant of Uncertain Significance. Algorithms developed to predict the effect of missense changes on protein structure and function output the following: SIFT: "Tolerated"; PolyPhen-2: "Benign"; Align-GVGD: "Class C0". The aspartic acid amino acid residue is found in multiple mammalian species, which suggests that this missense change does not adversely affect protein function. This variant has not been reported in the literature in individuals affected with WDR1-related conditions. This variant is not present in population databases (gnomAD no frequency). This sequence change replaces glycine, which is neutral and non-polar, with aspartic acid, which is acidic and polar, at codon 332 of the WDR1 protein (p.Gly332Asp).